The following is an entry in ClinVar:

NM_004839.4(HOMER2):c.554G>C (p.Arg185Pro)

Gene: HOMER2 (homer scaffold protein 2; minus strand). Cytogenetic location: 15q25.2.
Variant type: single nucleotide variant.
Coding change: c.554G>C on transcript NM_004839.4 (MANE Select); coding-DNA position 554, G replaced by C.
Protein change: p.Arg185Pro; replaces arginine 185 with proline.
Molecular consequence: missense variant.
Genome position (GRCh38, 1-based): chr15:82,854,741, C>G on the plus strand (G>C on the coding strand, the complement: HOMER2 is on the minus strand). VCF-style: chr15-82854741-C-G. GRCh37 (hg19) VCF-style: chr15-83523493-C-G.
Other names: c.587G>C, p.Arg196Pro (NM_199330.3); c.587G>C (NM_199330.2); short protein forms R185P, R196P.
Identifiers: ClinVar variation 218351 (VCV000218351.4), dbSNP rs864309524, ClinGen allele CA248588.

ClinVar aggregate classification (germline): Uncertain significance. Review status: criteria provided, single submitter (1 of 4 stars). 2 submissions from 2 submitters: Uncertain significance (1). 1 of the submissions does not count toward it. Last evaluated 2026-04-01.

Conditions:
Autosomal dominant nonsyndromic hearing loss 68. Also called: Deafness, autosomal dominant 68. Identifiers: Orphanet 90635, MedGen C4225240, MONDO:0014740, OMIM 616707.

Submissions (2):

GeneDx
Classification: Uncertain significance. Last evaluated: 2026-04-01. Review status: criteria provided, single submitter. Criteria: GeneDx Variant Classification Process June 2021. Collection method: clinical testing. Allele origin: germline.
Comment: In silico analysis supports that this missense variant has a deleterious effect on protein structure/function; Not observed at significant frequency in large population cohorts (gnomAD); Also known as c.554G>C p.(R185P); Variants in candidate genes are classified as variants of uncertain significance in accordance with ACMG guidelines (PMID: 25741868); This variant is associated with the following publications: (PMID: 30047143, 25816005)

OMIM
Classification: Pathogenic for DEAFNESS, AUTOSOMAL DOMINANT 68. Last evaluated: 2015-03-01. Review status: no assertion criteria provided. Collection method: literature only. Allele origin: germline. Not counted in ClinVar's aggregate classification.

Literature cited by the submitters: PubMed 25816005 (cited by OMIM); PubMed 30047143 (cited by OMIM).